The following is an entry in ClinVar:

ClinVar aggregate classification (germline): Conflicting classifications of pathogenicity. Review status: criteria provided, conflicting classifications (1 of 4 stars). 4 submissions from 4 submitters: Uncertain significance (3); Likely benign (1). Last evaluated 2026-07-06.

Conditions:
Hereditary cancer-predisposing syndrome. Also called: Tumor predisposition; Neoplastic Syndromes, Hereditary; Hereditary Cancer Syndrome; Hereditary neoplastic syndrome. Identifiers: Orphanet 140162, MedGen C0027672, MeSH D009386, MONDO:0015356.
Intellectual disability, autosomal dominant 16 (CSS4). Also called: COFFIN-SIRIS SYNDROME 4. Identifiers: Orphanet 1465, MedGen C3553249, MONDO:0013821, OMIM 614609.
Rhabdoid tumor predisposition syndrome 2 (RTPS2). Identifiers: Orphanet 231108, Orphanet 69077, MedGen C2750074, MONDO:0013224, OMIM 613325.

Allele frequency attached by ClinVar (database versions not stated): gnomAD exomes 0.00001; TOPMed below 0.00001; ExAC 0.00001.
gnomAD v4.1: 6 of 1,607,656 alleles (0.00037%); highest among the groups gnomAD compares: Non-Finnish European, 0.00051%; no homozygotes.

Submissions (4):

Myriad Genetics, Inc.
Classification: Likely benign for Rhabdoid tumor predisposition syndrome 2. Last evaluated: 2026-07-06. Review status: criteria provided, single submitter. Criteria: Myriad Autosomal Dominant, Autosomal Recessive and X-Linked Classification Criteria (2023). Collection method: clinical testing. Allele origin: unknown.
Comment: This variant is considered likely benign. This variant has been observed at a population frequency that is significantly greater than expected given the associated disease prevalence and penetrance.

Ambry Genetics
Classification: Uncertain significance for Hereditary cancer-predisposing syndrome. Last evaluated: 2025-08-05. Review status: criteria provided, single submitter. Criteria: Ambry Variant Classification Scheme 2023. Collection method: clinical testing. Allele origin: germline.
Comment: The p.G309V variant (also known as c.926G>T), located in coding exon 5 of the SMARCA4 gene, results from a G to T substitution at nucleotide position 926. The glycine at codon 309 is replaced by valine, an amino acid with dissimilar properties. This amino acid position is highly conserved in available vertebrate species. In addition, this alteration is predicted to be deleterious by in silico analysis. This variant has been detected in multiple individuals with no reported features of Coffin-Siris syndrome (Ambry internal data). Based on the supporting evidence, the association of this alteration with rhabdoid tumor predisposition syndrome is unknown; however, the association of this alteration with Coffin-Siris syndrome is unlikely.

Labcorp Genetics (formerly Invitae), Labcorp
Classification: Uncertain significance for Rhabdoid tumor predisposition syndrome 2. Last evaluated: 2024-11-18. Review status: criteria provided, single submitter. Criteria: Invitae Variant Classification Sherloc (09022015). Collection method: clinical testing. Allele origin: germline.
Comment: This sequence change replaces glycine, which is neutral and non-polar, with valine, which is neutral and non-polar, at codon 309 of the SMARCA4 protein (p.Gly309Val). This variant is present in population databases (rs762999710, gnomAD 0.002%). This variant has not been reported in the literature in individuals affected with SMARCA4-related conditions. ClinVar contains an entry for this variant (Variation ID: 537763). Invitae Evidence Modeling of protein sequence and biophysical properties (such as structural, functional, and spatial information, amino acid conservation, physicochemical variation, residue mobility, and thermodynamic stability) indicates that this missense variant is not expected to disrupt SMARCA4 protein function with a negative predictive value of 95%. RNA analysis performed to evaluate the impact of this missense change on mRNA splicing indicates it does not significantly alter splicing (internal data). In summary, the available evidence is currently insufficient to determine the role of this variant in disease. Therefore, it has been classified as a Variant of Uncertain Significance.

Genome-Nilou Lab
Classification: Uncertain significance for Intellectual disability, autosomal dominant 16. Last evaluated: 2021-07-15. Review status: criteria provided, single submitter. Criteria: ACMG Guidelines, 2015. Collection method: clinical testing. Allele origin: germline. Affected: no.

NM_003072.5(SMARCA4):c.926G>T (p.Gly309Val)

Gene: SMARCA4 (SWI/SNF related BAF chromatin remodeling complex subunit ATPase 4; plus strand). Cytogenetic location: 19p13.2.
Variant type: single nucleotide variant.
Coding change: c.926G>T on transcript NM_003072.5 (MANE Select); coding-DNA position 926, G replaced by T.
Protein change: p.Gly309Val; replaces glycine 309 with valine.
Molecular consequence: missense variant. On other transcripts: non-coding transcript variant (1).
Genome position (GRCh38, 1-based): chr19:10,987,732, G>T. VCF-style: chr19-10987732-G-T. GRCh37 (hg19) VCF-style: chr19-11098408-G-T.
Other names: c.926G>T, p.Gly309Val (NM_001128846.2, NM_001128847.4, NM_001128848.2 and 5 more transcripts); short protein forms G309V.
Identifiers: ClinVar variation 537763 (VCV000537763.15), dbSNP rs762999710, ClinGen allele CA9203631.